The following is an entry in ClinVar:

ClinVar aggregate classification (germline): Pathogenic (1 of 4 stars; one submission).

Conditions:
Inborn genetic diseases. Identifiers: MedGen C0950123, MeSH D030342.

Submission:

Ambry Genetics
Classification: Pathogenic for Inborn genetic diseases. Last evaluated: 2025-10-03. Review status: criteria provided, single submitter. Criteria: Ambry Variant Classification Scheme 2023. Collection method: clinical testing. Allele origin: germline.
Comment: The c.4867_4868delAG (p.R1623Gfs*17) alteration, located in exon 20 (coding exon 20) of the TNRC6B gene, consists of a deletion of 2 nucleotides from position 4867 to 4868, causing a translational frameshift with a predicted alternate stop codon after 17 amino acids. This alteration is expected to result in loss of function by premature protein truncation or nonsense-mediated mRNA decay. This variant was not reported in population-based cohorts in the Genome Aggregation Database (gnomAD). Based on the available evidence, this alteration is classified as pathogenic.

NM_001162501.2(TNRC6B):c.4867_4868del (p.Arg1623fs)

Gene: TNRC6B (trinucleotide repeat containing adaptor 6B; plus strand). Cytogenetic location: 22q13.1.
Variant type: Deletion.
Coding change: c.4867_4868del on transcript NM_001162501.2 (MANE Select); coding-DNA positions 4867 to 4868, 2 bases deleted (AG; older notation c.4867_4868delAG).
Protein change: p.Arg1623fs; shifts the reading frame from arginine 1623.
Molecular consequence: frameshift variant.
Genome position (GRCh38, 1-based): chr22:40,315,471-40,315,472, AG deleted. VCF-style (leftmost placement, unchanged base first): chr22-40315470-CAG-C. GRCh37 (hg19) VCF-style: chr22-40711474-CAG-C.
Other names: c.2455_2456del, p.Arg819fs (NM_001024843.2); c.4537_4538del, p.Arg1513fs (NM_015088.3); short protein forms R1623fs, R1513fs, R819fs.
Identifiers: ClinVar variation 4633383 (VCV004633383.1).